The following is an entry in ClinVar:

ClinVar aggregate classification (germline): Uncertain significance (1 of 4 stars; one submission).

Conditions:
Hyperaldosteronism, familial, type IV (HALD4). Also called: FH IV; ALDOSTERONISM, PRIMARY, AND HYPERTENSION. Identifiers: Orphanet 642671, MedGen C4310756, MONDO:0014875, OMIM 617027.
Idiopathic generalized epilepsy. Also called: EIG; Generalised epilepsy. Identifiers: MedGen C0270850, MONDO:0005579, OMIM 600669.

Submission:

Labcorp Genetics (formerly Invitae), Labcorp
Classification: Uncertain significance for Idiopathic generalized epilepsy; Hyperaldosteronism, familial, type IV. Last evaluated: 2018-11-12. Review status: criteria provided, single submitter. Criteria: Invitae Variant Classification Sherloc (09022015). Collection method: clinical testing. Allele origin: germline.
Comment: In summary, the available evidence is currently insufficient to determine the role of this variant in disease. Therefore, it has been classified as a Variant of Uncertain Significance. This sequence change creates a premature translational stop signal (p.Gln431Alafs*224) in the CACNA1H gene. It is expected to result in an absent or disrupted protein product. This variant is not present in population databases (ExAC no frequency). This variant has not been reported in the literature in individuals with CACNA1H-related disease. The current clinical and genetic evidence is not sufficient to establish whether loss-of-function variants in CACNA1H cause disease.

NM_021098.3(CACNA1H):c.1288_1289del (p.Gln431fs)

Gene: CACNA1H (calcium voltage-gated channel subunit alpha1 H; plus strand). Cytogenetic location: 16p13.3.
Variant type: Microsatellite.
Coding change: c.1288_1289del on transcript NM_021098.3 (MANE Select); coding-DNA positions 1288 to 1289, 2 bases deleted (AG; older notation c.1288_1289delAG).
Protein change: p.Gln431fs; shifts the reading frame from glutamine 431.
Molecular consequence: frameshift variant.
Genome position (GRCh38, 1-based): chr16:1,201,738-1,201,739, AG deleted; deleting any 2 consecutive bases within chr16:1,201,735-1,201,739 gives the same sequence; the c. name uses the placement nearest the transcript's 3' end. VCF-style (leftmost placement, unchanged base first): chr16-1201734-GGA-G. GRCh37 (hg19) VCF-style: chr16-1251734-GGA-G.
Other names: c.1288_1289del, p.Gln431fs (NM_001005407.2); short protein forms Q431fs.
Identifiers: ClinVar variation 657640 (VCV000657640.6), dbSNP rs1596408210, ClinGen allele CA915945807.